The following is an entry in ClinVar:

NM_004817.4(TJP2):c.887G>A (p.Ser296Asn)

Gene: TJP2 (tight junction protein 2; plus strand). Cytogenetic location: 9q21.11.
Variant type: single nucleotide variant.
Coding change: c.887G>A on transcript NM_004817.4 (MANE Select); coding-DNA position 887, G replaced by A.
Protein change: p.Ser296Asn; replaces serine 296 with asparagine.
Molecular consequence: missense variant.
Genome position (GRCh38, 1-based): chr9:69,221,431, G>A. VCF-style: chr9-69221431-G-A. GRCh37 (hg19) VCF-style: chr9-71836347-G-A.
Other names: c.887G>A, p.Ser296Asn (LRG_1201t1, NM_001369872.1, NM_001369873.1 and 1 more transcripts); c.818G>A, p.Ser273Asn (NM_001170414.2, NM_001369870.1, NM_001369871.1); c.899G>A, p.Ser300Asn (NM_001170415.1, NM_001369874.1, NM_001369875.1); c.980G>A, p.Ser327Asn (NM_001170416.2); short protein forms S296N, S300N, S273N, S327N.
Identifiers: ClinVar variation 367217 (VCV000367217.17), dbSNP rs376434139, ClinGen allele CA5073122.

ClinVar aggregate classification (germline): Likely benign. Review status: criteria provided, multiple submitters, no conflicts (2 of 4 stars). 4 submissions from 4 submitters: Likely benign (3). 1 of the submissions does not count toward it. Last evaluated 2025-04-02.

Conditions:
TJP2-related disorder. Also called: TJP2-related condition.

Allele frequency attached by ClinVar (database versions not stated): ESP Exome Variant Server 0.00008; gnomAD 0.00012 and 0.00014; TOPMed 0.00014; gnomAD exomes 0.00029; ExAC 0.00058.
gnomAD v4.1: 243 of 1,590,050 alleles (0.015%); highest among the groups gnomAD compares: Admixed American, 0.0035%; no homozygotes.

Submissions (4):

Labcorp Genetics (formerly Invitae), Labcorp
Classification: Likely benign. Last evaluated: 2025-04-02. Review status: criteria provided, single submitter. Criteria: Invitae Variant Classification Sherloc (09022015). Collection method: clinical testing. Allele origin: germline.

GeneDx
Classification: Likely benign. Last evaluated: 2020-07-20. Review status: criteria provided, single submitter. Criteria: GeneDx Variant Classification Process June 2021. Collection method: clinical testing. Allele origin: germline. Affected: yes.

Eurofins Ntd Llc (ga)
Classification: Likely benign. Last evaluated: 2017-09-07. Review status: criteria provided, single submitter. Criteria: EGL Classification Definitions 2015. Collection method: clinical testing. Allele origin: germline. Observed: 1 variant allele, 1 heterozygote.

PreventionGenetics, part of Exact Sciences
Classification: Likely benign for TJP2-related condition. Last evaluated: 2023-10-16. Review status: no assertion criteria provided. Collection method: clinical testing. Allele origin: germline. Not counted in ClinVar's aggregate classification.
Comment: This variant is classified as likely benign based on ACMG/AMP sequence variant interpretation guidelines (Richards et al. 2015 PMID: 25741868, with internal and published modifications).